The following is an entry in ClinVar:

ClinVar aggregate classification (germline): Uncertain significance. Review status: criteria provided, multiple submitters, no conflicts (2 of 4 stars). 2 submissions from 2 submitters: Uncertain significance (2). Last evaluated 2022-03-04.

Conditions:
RYR1-related disorder. Also called: RYR1-related condition; RYR1-related disorders. Identifiers: MedGen CN239331.

Allele frequency attached by ClinVar (database versions not stated): TOPMed 0.00001; gnomAD 0.00003; gnomAD exomes 0.00003.
gnomAD v4.1: 39 of 1,610,538 alleles (0.0024%); highest among the groups gnomAD compares: Admixed American, 0.005%; no homozygotes.

Submissions (2):

Labcorp Genetics (formerly Invitae), Labcorp
Classification: Uncertain significance for RYR1-related disorder. Last evaluated: 2022-03-04. Review status: criteria provided, single submitter. Criteria: Invitae Variant Classification Sherloc (09022015). Collection method: clinical testing. Allele origin: germline.
Comment: This sequence change affects codon 2612 of the RYR1 mRNA. It is a 'silent' change, meaning that it does not change the encoded amino acid sequence of the RYR1 protein. It affects a nucleotide within the consensus splice site. This variant is present in population databases (rs755128540, gnomAD 0.006%). This variant has not been reported in the literature in individuals affected with RYR1-related conditions. ClinVar contains an entry for this variant (Variation ID: 201141). Algorithms developed to predict the effect of sequence changes on RNA splicing suggest that this variant is not likely to affect RNA splicing. In summary, the available evidence is currently insufficient to determine the role of this variant in disease. Therefore, it has been classified as a Variant of Uncertain Significance.

CeGaT Center for Human Genetics Tuebingen
Classification: Uncertain significance. Last evaluated: 2022-01-01. Review status: criteria provided, single submitter. Criteria: CeGaT Center For Human Genetics Tuebingen Variant Classification Criteria Version 2. Collection method: clinical testing. Allele origin: germline. Affected: yes. Observed: 1 variant allele.

NM_000540.3(RYR1):c.7836G>A (p.Arg2612=)

Gene: RYR1 (ryanodine receptor 1; plus strand). Cytogenetic location: 19q13.2.
Variant type: single nucleotide variant.
Coding change: c.7836G>A on transcript NM_000540.3 (MANE Select); coding-DNA position 7836, G replaced by A.
Protein change: p.Arg2612=; no amino-acid change (arginine 2612 retained).
Molecular consequence: synonymous variant.
Genome position (GRCh38, 1-based): chr19:38,502,880, G>A. VCF-style: chr19-38502880-G-A. GRCh37 (hg19) VCF-style: chr19-38993520-G-A.
Other names: c.7836G>A, p.Arg2612= (NM_001042723.2).
Identifiers: ClinVar variation 201141 (VCV000201141.36), dbSNP rs755128540, ClinGen allele CA024866.